The following is an entry in ClinVar:

NM_024675.4(PALB2):c.1446C>G (p.Leu482=)

Gene: PALB2 (partner and localizer of BRCA2; minus strand). Cytogenetic location: 16p12.2.
Variant type: single nucleotide variant.
Coding change: c.1446C>G on transcript NM_024675.4 (MANE Select); coding-DNA position 1446, C replaced by G.
Protein change: p.Leu482=; no amino-acid change (leucine 482 retained).
Molecular consequence: synonymous variant.
Genome position (GRCh38, 1-based): chr16:23,635,100, G>C on the plus strand (C>G on the coding strand, the complement: PALB2 is on the minus strand). VCF-style: chr16-23635100-G-C. GRCh37 (hg19) VCF-style: chr16-23646421-G-C.
Identifiers: ClinVar variation 509035 (VCV000509035.21), dbSNP rs368759893, ClinGen allele CA7963708.
Genomic context (GRCh38, chr16:23,635,100, plus strand): 5'-CTTCCTAGACAAGTCATTATCTTCAGTGGGCCCAGCGGGAGAGCTGACTTTAGTTAATGA[G>C]AGAAGTTTCTGAGAGGTTCTTGAACTTGGTTGTCCTGTGCATGTGCCAGACATCCTAATT-3'
Protein context (NP_078951.2, residues 472-492): QPSSRTSQKL[Leu482=]SLTKVSSPAG

ClinVar aggregate classification (germline): Benign/Likely benign. Review status: criteria provided, multiple submitters, no conflicts (2 of 4 stars). 7 submissions from 7 submitters: Benign (1); Likely benign (5). 1 of the submissions does not count toward it. Last evaluated 2025-11-03.

Conditions:
Hereditary cancer-predisposing syndrome. Also called: Hereditary neoplastic syndrome; Hereditary Cancer Syndrome; Neoplastic Syndromes, Hereditary; Tumor predisposition. Identifiers: Orphanet 140162, MedGen C0027672, MeSH D009386, MONDO:0015356.
Familial cancer of breast. Also called: hereditary breast carcinoma; BREAST CANCER, FAMILIAL; Hereditary breast cancer. Identifiers: Orphanet 227535, MedGen C0346153, MONDO:0016419, OMIM 114480. Disease mechanism: loss of function.
Malignant tumor of breast. Also called: Malignant breast neoplasm; Cancer breast. Identifiers: MedGen C0006142, MONDO:0007254. Disease mechanism: loss of function.

Allele frequency attached by ClinVar (database versions not stated): gnomAD exomes below 0.00001 and 0.00001; TOPMed below 0.00001; ExAC 0.00001; gnomAD 0.00001; ESP Exome Variant Server 0.00008.
gnomAD v4.1: 11 of 1,614,048 alleles (0.00068%); highest among the groups gnomAD compares: Non-Finnish European, 0.00093%; no homozygotes.

Submissions (7):

Labcorp Genetics (formerly Invitae), Labcorp
Classification: Likely benign for Familial cancer of breast. Last evaluated: 2025-11-03. Review status: criteria provided, single submitter. Criteria: Invitae Variant Classification Sherloc (09022015). Collection method: clinical testing. Allele origin: germline.

Myriad Genetics, Inc.
Classification: Benign for Familial cancer of breast. Last evaluated: 2025-01-13. Review status: criteria provided, single submitter. Criteria: Myriad Autosomal Dominant, Autosomal Recessive and X-Linked Classification Criteria (2023). Collection method: clinical testing. Allele origin: unknown.
Comment: This variant is considered benign. This variant is a silent/synonymous amino acid change and it is not expected to impact splicing.

Color Diagnostics, LLC DBA Color Health
Classification: Likely benign for Hereditary cancer-predisposing syndrome. Last evaluated: 2020-09-15. Review status: criteria provided, single submitter. Criteria: ACMG Guidelines, 2015. Collection method: clinical testing. Allele origin: germline.

Women's Health and Genetics/Laboratory Corporation of America, LabCorp
Classification: Likely benign. Last evaluated: 2019-08-29. Review status: criteria provided, single submitter. Criteria: LabCorp Variant Classification Summary - May 2015. Collection method: clinical testing. Allele origin: germline.

Ambry Genetics
Classification: Likely benign for Hereditary cancer-predisposing syndrome. Last evaluated: 2018-02-09. Review status: criteria provided, single submitter. Criteria: Ambry Variant Classification Scheme 2023. Collection method: clinical testing. Allele origin: germline.

GeneDx
Classification: Likely benign. Last evaluated: 2017-04-17. Review status: criteria provided, single submitter. Criteria: GeneDx Variant Classification (06012015). Collection method: clinical testing. Allele origin: germline. Affected: yes.
Comment: This variant is considered likely benign or benign based on one or more of the following criteria: it is a conservative change, it occurs at a poorly conserved position in the protein, it is predicted to be benign by multiple in silico algorithms, and/or has population frequency not consistent with disease.

Department of Pathology and Laboratory Medicine, Sinai Health System
Classification: Uncertain significance for Malignant tumor of breast. Review status: no assertion criteria provided. Collection method: clinical testing. Allele origin: unknown. Affected: yes. Study: The Canadian Open Genetics Repository (COGR). Not counted in ClinVar's aggregate classification.
Comment: The PALB2 p.Leu482= variant was not identified in the literature. The variant was identified in ClinVar (classified as likely benign by GeneDx and as uncertain significance by Integrated Genetics/Laboratory Corporation of America) and LOVD 3.0 (1x as effect unknown).The variant was identified in control databases in 1 of 251330 chromosomes at a frequency of 0.000004 (Genome Aggregation Database Feb 27, 2017). The variant was observed in the European (non-Finnish) population in 1 of 113644 chromosomes (freq: 0.000009), while the variant was not observed in the African, Latino, Ashkenazi Jewish, East Asian, European (Finnish), Other, or South Asian populations. The p.Leu482= variant is not expected to have clinical significance because it does not result in a change of amino acid and is not located in a known consensus splice site. However, 1 of 4 in silico or computational prediction software programs (SpliceSiteFinder, MaxEntScan, NNSPLICE, GeneSplicer) predicts a greater than 10% difference in splicing; this is not very predictive of pathogenicity. In summary, based on the above information, the clinical significance of this variant cannot be determined with certainty at this time. This variant is classified as a variant of uncertain significance.